The following is an entry in ClinVar:

NM_181523.3(PIK3R1):c.1814+6T>G

Gene: PIK3R1 (phosphoinositide-3-kinase regulatory subunit 1; plus strand). Cytogenetic location: 5q13.1.
Variant type: single nucleotide variant.
Coding change: c.1814+6T>G on transcript NM_181523.3 (MANE Select); 6 bases into the intron after coding-DNA position 1814, T replaced by G.
Molecular consequence: intron variant.
Genome position (GRCh38, 1-based): chr5:68,295,494, T>G. VCF-style: chr5-68295494-T-G. GRCh37 (hg19) VCF-style: chr5-67591322-T-G.
Other names: c.725+6T>G (NM_001242466.2); c.914+6T>G (NM_181524.2); c.1004+6T>G (NM_181504.4).
Identifiers: ClinVar variation 2951885 (VCV002951885.3), dbSNP rs1747663559, ClinGen allele CA2740091743.
Genomic context (GRCh38, chr5:68,295,494, plus strand): 5'-AAGGTGTTCGGCAAAAGAAGTTGAACGAGTGGTTGGGCAATGAAAACACTGAAGAGTAAG[T>G]AGTTACTAAAGATGGTGATAGCAGAAGATTTTTCTCATTTTAGGAAAATGCATGACTTGC-3'

ClinVar aggregate classification (germline): Uncertain significance (1 of 4 stars; one submission).

Conditions:
SHORT syndrome. Also called: LIPODYSTROPHY, PARTIAL, WITH RIEGER ANOMALY AND SHORT STATURE; PIK3R1-Related SHORT Syndrome; SHORT STATURE, HYPEREXTENSIBILITY, HERNIA, OCULAR DEPRESSION, RIEGER ANOMALY, AND TEETHING DELAY. Identifiers: Orphanet 3163, MedGen C0878684, MONDO:0010026, OMIM 269880.
Agammaglobulinemia 7, autosomal recessive (AGM7). Also called: AGAMMAGLOBULINEMIA, AUTOSOMAL RECESSIVE, DUE TO PIK3R1 DEFECT. Identifiers: MedGen C3554689, MONDO:0014083, OMIM 615214.
Immunodeficiency 36 with lymphoproliferation. Also called: Immunodeficiency 36; ACTIVATED PI3K-DELTA SYNDROME 2; Activated PI3K Delta Syndrome Type 2 (APDS2). Identifiers: Orphanet 397596, Orphanet 693681, MedGen C4014934, MONDO:0014453, OMIM 616005.

Submission:

Labcorp Genetics (formerly Invitae), Labcorp
Classification: Uncertain significance for SHORT syndrome; Immunodeficiency 36 with lymphoproliferation; Agammaglobulinemia 7, autosomal recessive. Last evaluated: 2023-09-12. Review status: criteria provided, single submitter. Criteria: Invitae Variant Classification Sherloc (09022015). Collection method: clinical testing. Allele origin: germline.
Comment: In summary, the available evidence is currently insufficient to determine the role of this variant in disease. Therefore, it has been classified as a Variant of Uncertain Significance. Variants that disrupt the consensus splice site are a relatively common cause of aberrant splicing (PMID: 17576681, 9536098). Algorithms developed to predict the effect of sequence changes on RNA splicing suggest that this variant may create or strengthen a splice site. This variant has not been reported in the literature in individuals affected with PIK3R1-related conditions. This variant is not present in population databases (gnomAD no frequency). This sequence change falls in intron 14 of the PIK3R1 gene. It does not directly change the encoded amino acid sequence of the PIK3R1 protein. It affects a nucleotide within the consensus splice site.

Literature cited by the submitters: PubMed 17576681; PubMed 9536098.